The following is an entry in ClinVar:

ClinVar aggregate classification (germline): Likely benign (1 of 4 stars; one submission).

Allele frequency attached by ClinVar (database versions not stated): 1000 Genomes Project 30x 0.00234; 1000 Genomes Project 0.00240; TOPMed 0.00348; ExAC 0.00386; gnomAD exomes 0.00498.
gnomAD v4.1: 3,991 of 713,240 alleles (0.56%); highest among the groups gnomAD compares: Non-Finnish European, 0.58%; 21 homozygotes.

Submission:

CeGaT Center for Human Genetics Tuebingen
Classification: Likely benign. Last evaluated: 2026-09-01. Review status: criteria provided, single submitter. Criteria: CeGaT Center For Human Genetics Tuebingen Variant Classification Criteria Version 2. Collection method: clinical testing. Allele origin: germline. Affected: yes. Observed: 15 variant alleles.
Comment: C1R: BS2

NM_001733.7(C1R):c.3-106G>T

Gene: C1R (complement C1r; minus strand). Cytogenetic location: 12p13.31.
Variant type: single nucleotide variant.
Coding change: c.3-106G>T on transcript NM_001733.7 (MANE Select); 106 bases into the intron before coding-DNA position 3, G replaced by T.
Molecular consequence: intron variant. On other transcripts: nonsense (1).
Genome position (GRCh38, 1-based): chr12:7,091,786, C>A on the plus strand (G>T on the coding strand, the complement: C1R is on the minus strand). VCF-style: chr12-7091786-C-A. GRCh37 (hg19) VCF-style: chr12-7244382-C-A.
Other names: c.31G>T, p.Glu11Ter (NM_001354346.2); short protein forms E11*.
Identifiers: ClinVar variation 1675481 (VCV001675481.33), dbSNP rs117830039, ClinGen allele CA6424350.